The following is an entry in ClinVar:

ClinVar aggregate classification (germline): Conflicting classifications of pathogenicity. Review status: criteria provided, conflicting classifications (1 of 4 stars). 7 submissions from 7 submitters: Uncertain significance (6); Likely benign (1). Last evaluated 2026-01-11.

Conditions:
Familial cancer of breast. Also called: BREAST CANCER, FAMILIAL; Hereditary breast cancer; hereditary breast carcinoma. Identifiers: Orphanet 227535, MedGen C0346153, MONDO:0016419, OMIM 114480. Disease mechanism: loss of function.
Hereditary cancer-predisposing syndrome. Also called: Neoplastic Syndromes, Hereditary; Hereditary Cancer Syndrome; Hereditary neoplastic syndrome; Tumor predisposition. Identifiers: Orphanet 140162, MedGen C0027672, MeSH D009386, MONDO:0015356.

Allele frequency attached by ClinVar (database versions not stated): gnomAD exomes below 0.00001 and 0.00001; TOPMed below 0.00001; ExAC 0.00001.
gnomAD v4.1: 5 of 1,609,244 alleles (0.00031%); highest among the groups gnomAD compares: Middle Eastern, 0.033%; no homozygotes.

Submissions (7):

Labcorp Genetics (formerly Invitae), Labcorp
Classification: Uncertain significance for Familial cancer of breast. Last evaluated: 2026-01-11. Review status: criteria provided, single submitter. Criteria: Invitae Variant Classification Sherloc (09022015). Collection method: clinical testing. Allele origin: germline.
Comment: This sequence change replaces aspartic acid, which is acidic and polar, with alanine, which is neutral and non-polar, at codon 29 of the BARD1 protein (p.Asp29Ala). This variant is present in population databases (rs777491507, gnomAD 0.001%). This variant has not been reported in the literature in individuals affected with BARD1-related conditions. ClinVar contains an entry for this variant (Variation ID: 573591). An algorithm developed to predict the effect of missense changes on protein structure and function outputs the following: PolyPhen-2: "Benign". The alanine amino acid residue is found in multiple mammalian species, which suggests that this missense change does not adversely affect protein function. In summary, the available evidence is currently insufficient to determine the role of this variant in disease. Therefore, it has been classified as a Variant of Uncertain Significance.

Dasa
Classification: Uncertain significance. Last evaluated: 2025-11-10. Review status: criteria provided, single submitter. Criteria: DASA Assertion Criteria. Collection method: clinical testing. Allele origin: germline.
Comment: NM_000465.4(BARD1):c.86A>C (p.Asp29Ala) is a missense variant that results in the substitution of aspartic acid with alanine. This variant is rare in population databases. Computational prediction algorithms are consistent with a benign effect. The currently available literature and clinical evidence are not sufficient to establish a definitive association between this variant and the reported condition. Therefore, this variant is classified as a variant of uncertain significance.

GeneDx
Classification: Uncertain significance. Last evaluated: 2023-11-19. Review status: criteria provided, single submitter. Criteria: GeneDx Variant Classification Process June 2021. Collection method: clinical testing. Allele origin: germline. Affected: yes.
Comment: Not observed at significant frequency in large population cohorts (gnomAD); In silico analysis supports that this missense variant does not alter protein structure/function; Has not been previously published as pathogenic or benign to our knowledge; This variant is associated with the following publications: (PMID: 18480049)

Color Diagnostics, LLC DBA Color Health
Classification: Uncertain significance for Hereditary cancer-predisposing syndrome. Last evaluated: 2023-08-29. Review status: criteria provided, single submitter. Criteria: ACMG Guidelines, 2015. Collection method: clinical testing. Allele origin: germline.
Comment: This missense variant replaces aspartic acid with alanine at codon 29 of the BARD1 protein. Computational prediction suggests that this variant may not impact protein structure and function (internally defined REVEL score threshold <= 0.5, PMID: 27666373). To our knowledge, functional studies have not been reported for this variant. This variant has not been reported in individuals affected with BARD1-related disorders in the literature. This variant has been identified in 1/236132 chromosomes in the general population by the Genome Aggregation Database (gnomAD). The available evidence is insufficient to determine the role of this variant in disease conclusively. Therefore, this variant is classified as a Variant of Uncertain Significance.

Sema4
Classification: Uncertain significance for Hereditary cancer-predisposing syndrome. Last evaluated: 2022-01-25. Review status: criteria provided, single submitter. Criteria: Sema4 Curation Guidelines. Collection method: curation. Allele origin: germline.
Comment: The BARD1 c.86A>C (p.D29A) variant has not been reported in the literature to our knowledge. It was observed in 1/106126 chromosomes of the Non-Finnish European subpopulation in the large and broad cohorts of the Genome Aggregation Database (PMID: 32461654). This variant has been reported in ClinVar (Variation ID 573591). Functional studies have not been performed, and in silico predictions of the variant's effect on protein function are inconclusive. The evidence is insufficient to meet ACMG/AMP criteria for classifying the variant as benign or pathogenic. Thus, the clinical significance of this variant is currently uncertain.

Quest Diagnostics Nichols Institute San Juan Capistrano
Classification: Uncertain significance. Last evaluated: 2020-05-11. Review status: criteria provided, single submitter. Criteria: Quest Diagnostics criteria. Collection method: clinical testing. Allele origin: unknown.

Ambry Genetics
Classification: Likely benign for Hereditary cancer-predisposing syndrome. Last evaluated: 2019-03-13. Review status: criteria provided, single submitter. Criteria: Ambry Variant Classification Scheme 2023. Collection method: clinical testing. Allele origin: germline.

NM_000465.4(BARD1):c.86A>C (p.Asp29Ala)

Gene: BARD1 (BRCA1 associated RING domain 1; minus strand). Cytogenetic location: 2q35.
Variant type: single nucleotide variant.
Coding change: c.86A>C on transcript NM_000465.4 (MANE Select); coding-DNA position 86, A replaced by C.
Protein change: p.Asp29Ala; replaces aspartic acid 29 with alanine.
Molecular consequence: missense variant. On other transcripts: non-coding transcript variant (3).
Genome position (GRCh38, 1-based): chr2:214,809,484, T>G on the plus strand (A>C on the coding strand, the complement: BARD1 is on the minus strand). VCF-style: chr2-214809484-T-G. GRCh37 (hg19) VCF-style: chr2-215674208-T-G.
Other names: c.86A>C, p.Asp29Ala (NM_001282543.2, NM_001282545.2, NM_001282548.2 and 1 more transcripts); short protein forms D29A.
Identifiers: ClinVar variation 573591 (VCV000573591.27), dbSNP rs777491507, ClinGen allele CA2090519.